The following is an entry in ClinVar:

ClinVar aggregate classification (germline): Pathogenic. Review status: criteria provided, multiple submitters, no conflicts (2 of 4 stars). 4 submissions from 4 submitters: Pathogenic (4). Last evaluated 2025-01-23.

Conditions:
Inborn genetic diseases. Identifiers: MedGen C0950123, MeSH D030342.
KBG syndrome (KBGS). Also called: ANKRD11-Related KBG Syndrome. Identifiers: Orphanet 2332, MedGen C0220687, MONDO:0007846, OMIM 148050.

Submissions (4):

Labcorp Genetics (formerly Invitae), Labcorp
Classification: Pathogenic for KBG syndrome. Last evaluated: 2025-01-23. Review status: criteria provided, single submitter. Criteria: Invitae Variant Classification Sherloc (09022015). Collection method: clinical testing. Allele origin: germline.
Comment: This sequence change creates a premature translational stop signal (p.Ser488Trpfs*4) in the ANKRD11 gene. It is expected to result in an absent or disrupted protein product. Loss-of-function variants in ANKRD11 are known to be pathogenic (PMID: 21782149, 25125236, 25413698, 25652421). This variant is not present in population databases (gnomAD no frequency). This variant has not been reported in the literature in individuals affected with ANKRD11-related conditions. For these reasons, this variant has been classified as Pathogenic.

GeneDx
Classification: Pathogenic. Last evaluated: 2024-04-29. Review status: criteria provided, single submitter. Criteria: GeneDx Variant Classification Process June 2021. Collection method: clinical testing. Allele origin: germline. Affected: yes.
Comment: Frameshift variant predicted to result in protein truncation or nonsense mediated decay in a gene for which loss of function is a known mechanism of disease; Not observed at significant frequency in large population cohorts (gnomAD); Has not been previously published as pathogenic or benign to our knowledge

Ambry Genetics
Classification: Pathogenic for Inborn genetic diseases. Last evaluated: 2017-10-10. Review status: criteria provided, single submitter. Criteria: Ambry exome assertion method (8-5-2015). Collection method: clinical testing. Allele origin: germline. Affected: yes. Observed: 1 variant allele.

Baylor Genetics
Classification: Pathogenic for KBG syndrome. Last evaluated: 2017-09-01. Review status: criteria provided, single submitter. Criteria: ACMG Guidelines, 2015. Collection method: clinical testing. Allele origin: de novo. Inheritance: Autosomal dominant inheritance. Affected: yes.
Comment: This frameshift mutation is categorized as deleterious according to ACMG guidelines (PMID:18414213).

Literature cited by the submitters: PubMed 21782149 (cited by Labcorp Genetics (formerly Invitae), Labcorp); PubMed 25125236 (cited by Labcorp Genetics (formerly Invitae), Labcorp); PubMed 25413698 (cited by Labcorp Genetics (formerly Invitae), Labcorp); PubMed 25652421 (cited by Labcorp Genetics (formerly Invitae), Labcorp); PubMed 25326635 (cited by Baylor Genetics).

NM_013275.6(ANKRD11):c.1462_1463del (p.Ser488fs)

Gene: ANKRD11 (ankyrin repeat domain 11; minus strand). Cytogenetic location: 16q24.3.
Variant type: Microsatellite.
Coding change: c.1462_1463del on transcript NM_013275.6 (MANE Select); coding-DNA positions 1462 to 1463, 2 bases deleted (AG; older notation c.1462_1463delAG).
Protein change: p.Ser488fs; shifts the reading frame from serine 488.
Molecular consequence: frameshift variant.
Genome position (GRCh38, 1-based): chr16:89,285,079-89,285,080, CT deleted on the plus strand (AG on the coding strand, the reverse complement: ANKRD11 is on the minus strand); deleting any 2 consecutive bases within chr16:89,285,079-89,285,084 gives the same sequence; the c. name uses the placement nearest the transcript's 3' end. VCF-style (leftmost placement, unchanged base first): chr16-89285078-ACT-A. GRCh37 (hg19) VCF-style: chr16-89351486-ACT-A.
Other names: c.1462_1463del, p.Ser488fs (NM_001256182.2, NM_001256183.2); c.1462_1463del (NM_013275.5); short protein forms S488fs.
Identifiers: ClinVar variation 522136 (VCV000522136.8), dbSNP rs1555529645, ClinGen allele CA658798667.
Genomic context (GRCh38, chr16:89,285,078, plus strand): 5'-CACCAGCGGGGACCCCTTGAGGCAGCCAGAGCTCCCCAGAGAGTCCCTGTCATCCTCCCC[ACT>A]CTCTGAGGACTCGCTCTCCGACTCCGAGGAGCAGAACTTGTCGCTCCGCTTTCCGAAGCG-3'